The following is an entry in ClinVar:

NM_001330078.2(NRXN1):c.1759+2T>C

Gene: NRXN1 (neurexin 1; minus strand). Cytogenetic location: 2p16.3.
Variant type: single nucleotide variant.
Coding change: c.1759+2T>C on transcript NM_001330078.2 (MANE Select); the canonical splice donor site of the intron after coding-DNA position 1759, T replaced by C.
Molecular consequence: splice donor variant.
Genome position (GRCh38, 1-based): chr2:50,552,585, A>G on the plus strand (T>C on the coding strand, the complement: NRXN1 is on the minus strand). VCF-style: chr2-50552585-A-G. GRCh37 (hg19) VCF-style: chr2-50779723-A-G.
Other names: c.1879+2T>C (NM_001135659.3); c.1675+2T>C (NM_001330096.2, NM_001330087.2); c.1720+2T>C (NM_001330083.2, NM_001330084.2); c.1705+2T>C (NM_001330088.2); c.1756+2T>C (NM_001330093.2); c.1747+2T>C (NM_001330094.2); c.1735+2T>C (NM_001330095.2, NM_001330082.2, NM_001330077.2); c.1759+2T>C (NM_001330085.2, NM_004801.6, NM_001330086.2).
Identifiers: ClinVar variation 1348504 (VCV001348504.6), dbSNP rs2105344238, ClinGen allele CA346772588.

ClinVar aggregate classification (germline): Likely pathogenic (1 of 4 stars; one submission).

Conditions:
Pitt-Hopkins-like syndrome 2 (PTHSL2). Identifiers: Orphanet 221150, Orphanet 600663, MedGen C3280479, MONDO:0013690, OMIM 614325.

Submission:

Labcorp Genetics (formerly Invitae), Labcorp
Classification: Likely pathogenic for Pitt-Hopkins-like syndrome 2. Last evaluated: 2022-02-24. Review status: criteria provided, single submitter. Criteria: Invitae Variant Classification Sherloc (09022015). Collection method: clinical testing. Allele origin: germline.
Comment: In summary, the currently available evidence indicates that the variant is pathogenic, but additional data are needed to prove that conclusively. Therefore, this variant has been classified as Likely Pathogenic. Algorithms developed to predict the effect of sequence changes on RNA splicing suggest that this variant may disrupt the consensus splice site. This variant has not been reported in the literature in individuals affected with NRXN1-related conditions. This variant is not present in population databases (gnomAD no frequency). This sequence change affects a donor splice site in intron 10 of the NRXN1 gene. It is expected to disrupt RNA splicing. Variants that disrupt the donor or acceptor splice site typically lead to a loss of protein function (PMID: 16199547), and loss-of-function variants in NRXN1 are known to be pathogenic (PMID: 19896112, 21964664, 23495017, 23533028, 25149956, 30031152).

Literature cited by the submitters: PubMed 16199547; PubMed 19896112; PubMed 21964664; PubMed 23495017; PubMed 23533028; PubMed 25149956; PubMed 30031152.